The following is an entry in ClinVar:

ClinVar aggregate classification (germline): Likely benign. Review status: criteria provided, multiple submitters, no conflicts (2 of 4 stars). 3 submissions from 3 submitters: Likely benign (3). Last evaluated 2025-12-02.

Conditions:
Hereditary diffuse gastric adenocarcinoma (HDGC). Also called: DIFFUSE GASTRIC AND LOBULAR BREAST CANCER SYNDROME. Identifiers: Orphanet 26106, MedGen C1708349, MONDO:0007648, OMIM 137215.
Hereditary cancer-predisposing syndrome. Also called: Neoplastic Syndromes, Hereditary; Hereditary neoplastic syndrome; Tumor predisposition; Hereditary Cancer Syndrome. Identifiers: Orphanet 140162, MedGen C0027672, MeSH D009386, MONDO:0015356.

Allele frequency attached by ClinVar (database versions not stated): gnomAD exomes 0.00001; ExAC 0.00005.
gnomAD v4.1: 9 of 1,528,562 alleles (0.00059%); highest among the groups gnomAD compares: Non-Finnish European, 0.0008%; no homozygotes.

Submissions (3):

Labcorp Genetics (formerly Invitae), Labcorp
Classification: Likely benign for Hereditary diffuse gastric adenocarcinoma. Last evaluated: 2025-12-02. Review status: criteria provided, single submitter. Criteria: Invitae Variant Classification Sherloc (09022015). Collection method: clinical testing. Allele origin: germline.

Color Diagnostics, LLC DBA Color Health
Classification: Likely benign for Hereditary cancer-predisposing syndrome. Last evaluated: 2019-02-06. Review status: criteria provided, single submitter. Criteria: ACMG Guidelines, 2015. Collection method: clinical testing. Allele origin: germline.

GeneDx
Classification: Likely benign. Last evaluated: 2016-05-16. Review status: criteria provided, single submitter. Criteria: GeneDx Variant Classification (06012015). Collection method: clinical testing. Allele origin: germline. Affected: yes.
Comment: This variant is considered likely benign or benign based on one or more of the following criteria: it is a conservative change, it occurs at a poorly conserved position in the protein, it is predicted to be benign by multiple in silico algorithms, and/or has population frequency not consistent with disease.

NM_004360.5(CDH1):c.49-11C>G

Gene: CDH1 (cadherin 1; plus strand). Cytogenetic location: 16q22.1.
Variant type: single nucleotide variant.
Coding change: c.49-11C>G on transcript NM_004360.5 (MANE Select); 11 bases into the intron before coding-DNA position 49, C replaced by G.
Molecular consequence: intron variant.
Genome position (GRCh38, 1-based): chr16:68,738,286, C>G. VCF-style: chr16-68738286-C-G. GRCh37 (hg19) VCF-style: chr16-68772189-C-G.
Other names: c.-1567-11C>G (NM_001317185.2); c.-1771-11C>G (NM_001317186.2); c.49-11C>G (NM_001317184.2, LRG_301t1).
Identifiers: ClinVar variation 386324 (VCV000386324.5), dbSNP rs746446678, ClinGen allele CA8129791.